The following is an entry in ClinVar:

NM_016111.4(TELO2):c.436C>T (p.Gln146Ter)

Gene: TELO2 (telomere maintenance 2; plus strand). Cytogenetic location: 16p13.3.
Variant type: single nucleotide variant.
Coding change: c.436C>T on transcript NM_016111.4 (MANE Select); coding-DNA position 436, C replaced by T.
Protein change: p.Gln146Ter; replaces glutamine 146 with a stop codon.
Molecular consequence: nonsense.
Genome position (GRCh38, 1-based): chr16:1,495,446, C>T. VCF-style: chr16-1495446-C-T. GRCh37 (hg19) VCF-style: chr16-1545447-C-T.
Other names: c.436C>T, p.Gln146Ter (NM_001351846.2); short protein forms Q146*.
Identifiers: ClinVar variation 4880511 (VCV004880511.2).

ClinVar aggregate classification (germline): Likely pathogenic (1 of 4 stars; one submission).

Conditions:
TELO2-related intellectual disability-neurodevelopmental disorder. Also called: You-Hoover-Fong syndrome. Identifiers: Orphanet 488642, MedGen C4310778, MONDO:0014848, OMIM 616954.

gnomAD v4.1: 4 of 1,604,990 alleles (0.00025%); highest among the groups gnomAD compares: African/African-American, 0.0013%; no homozygotes.

Submission:

Dasa
Classification: Likely pathogenic for TELO2-related intellectual disability-neurodevelopmental disorder. Last evaluated: 2025-06-29. Review status: criteria provided, single submitter. Criteria: DASA Assertion Criteria. Collection method: clinical testing. Allele origin: germline.
Comment: NM_016111.4(TELO2):c.436C>T (p.Gln146*) is a nonsense variant in TELO2 predicted to introduce a premature termination codon and is predicted to result in an absent or altered protein product. Loss of function is an established disease mechanism for TELO2-associated disorders. Also, this variant is rare in population databases. Based on the currently available evidence, this variant is classified as likely pathogenic.